The following is an entry in ClinVar:

NM_001003841.3(SLC6A19):c.1492G>A (p.Ala498Thr)

Gene: SLC6A19 (solute carrier family 6 member 19; plus strand). Cytogenetic location: 5p15.33.
Variant type: single nucleotide variant.
Coding change: c.1492G>A on transcript NM_001003841.3 (MANE Select); coding-DNA position 1492, G replaced by A.
Protein change: p.Ala498Thr; replaces alanine 498 with threonine.
Molecular consequence: missense variant.
Genome position (GRCh38, 1-based): chr5:1,219,618, G>A. VCF-style: chr5-1219618-G-A. GRCh37 (hg19) VCF-style: chr5-1219733-G-A.
Other names: short protein forms A498T.
Identifiers: ClinVar variation 1434066 (VCV001434066.6), dbSNP rs768027310, ClinGen allele CA3183185.

ClinVar aggregate classification (germline): Uncertain significance (1 of 4 stars; one submission).

Allele frequency attached by ClinVar (database versions not stated): gnomAD 0.00001; ExAC 0.00002; gnomAD exomes 0.00002; TOPMed 0.00003.
gnomAD v4.1: 34 of 1,609,632 alleles (0.0021%); highest among the groups gnomAD compares: Middle Eastern, 0.049%; no homozygotes.

Submission:

Labcorp Genetics (formerly Invitae), Labcorp
Classification: Uncertain significance. Last evaluated: 2023-10-09. Review status: criteria provided, single submitter. Criteria: Invitae Variant Classification Sherloc (09022015). Collection method: clinical testing. Allele origin: germline.
Comment: This sequence change replaces alanine, which is neutral and non-polar, with threonine, which is neutral and polar, at codon 498 of the SLC6A19 protein (p.Ala498Thr). This variant is present in population databases (rs768027310, gnomAD 0.02%). This variant has not been reported in the literature in individuals affected with SLC6A19-related conditions. ClinVar contains an entry for this variant (Variation ID: 1434066). Advanced modeling of protein sequence and biophysical properties (such as structural, functional, and spatial information, amino acid conservation, physicochemical variation, residue mobility, and thermodynamic stability) performed at Invitae indicates that this missense variant is not expected to disrupt SLC6A19 protein function. In summary, the available evidence is currently insufficient to determine the role of this variant in disease. Therefore, it has been classified as a Variant of Uncertain Significance.